The following is an entry in ClinVar:

ClinVar aggregate classification (germline): Uncertain significance (1 of 4 stars; one submission).

Conditions:
Anophthalmia-microphthalmia syndrome. Also called: Anophthalmia - microphthalmia; Anophthalmia/Microphthalmia. Identifiers: Orphanet 98555, MedGen C5680330, MONDO:0020147.

Submission:

Labcorp Genetics (formerly Invitae), Labcorp
Classification: Uncertain significance for Anophthalmia-microphthalmia syndrome. Last evaluated: 2022-07-26. Review status: criteria provided, single submitter. Criteria: Invitae Variant Classification Sherloc (09022015). Collection method: clinical testing. Allele origin: germline.
Comment: This variant is not present in population databases (gnomAD no frequency). In summary, the available evidence is currently insufficient to determine the role of this variant in disease. Therefore, it has been classified as a Variant of Uncertain Significance. Algorithms developed to predict the effect of missense changes on protein structure and function are either unavailable or do not agree on the potential impact of this missense change (SIFT: "Deleterious"; PolyPhen-2: "Benign"; Align-GVGD: "Class C65"). ClinVar contains an entry for this variant (Variation ID: 1403565). This variant has not been reported in the literature in individuals affected with OTX2-related conditions. This sequence change replaces serine, which is neutral and polar, with alanine, which is neutral and non-polar, at codon 252 of the OTX2 protein (p.Ser252Ala).

NM_021728.4(OTX2):c.778T>G (p.Ser260Ala)

Gene: OTX2 (orthodenticle homeobox 2; minus strand). Cytogenetic location: 14q22.3.
Variant type: single nucleotide variant.
Coding change: c.778T>G on transcript NM_021728.4 (MANE Select); coding-DNA position 778, T replaced by G.
Protein change: p.Ser260Ala; replaces serine 260 with alanine.
Molecular consequence: missense variant. On other transcripts: non-coding transcript variant (2).
Genome position (GRCh38, 1-based): chr14:56,801,851, A>C on the plus strand (T>G on the coding strand, the complement: OTX2 is on the minus strand). VCF-style: chr14-56801851-A-C. GRCh37 (hg19) VCF-style: chr14-57268569-A-C.
Other names: c.754T>G, p.Ser252Ala (NM_001270523.2, NM_001270524.2, NM_172337.3); c.778T>G, p.Ser260Ala (NM_001270525.2); short protein forms S252A, S260A.
Identifiers: ClinVar variation 1403565 (VCV001403565.6), dbSNP rs2139527790, ClinGen allele CA390051147.
Genomic context (GRCh38, chr14:56,801,851, plus strand): 5'-CATTGAAGTTAAGCTTCCAGGAGGCAGTTTGGTCCTTATAATCCAAGCAATCAGTGGTTG[A>C]GTTAAAACCCAAGCTTGAAGCTCCATATCCCTGGGTGGAAAGAGAAGCTGGGGACTGATT-3'
Protein context (NP_068374.1, residues 250-270): GYGASSLGFN[Ser260Ala]TTDCLDYKDQ